The following is an entry in ClinVar:

ClinVar aggregate classification (germline): Uncertain significance. Review status: criteria provided, multiple submitters, no conflicts (2 of 4 stars). 3 submissions from 3 submitters: Uncertain significance (2). 1 of the submissions does not count toward it. Last evaluated 2023-05-05.

Conditions:
Autosomal dominant cerebellar ataxia. Also called: Spinocerebellar Ataxia, Dominant. Identifiers: Orphanet 99, MedGen C4087347, MONDO:0020380.

Allele frequency attached by ClinVar (database versions not stated): TOPMed 0.00001; gnomAD exomes 0.00002 and 0.00003; gnomAD 0.00003.
gnomAD v4.1: 54 of 1,613,824 alleles (0.0033%); highest among the groups gnomAD compares: Middle Eastern, 0.016%; no homozygotes.

Submissions (3):

Labcorp Genetics (formerly Invitae), Labcorp
Classification: Uncertain significance. Last evaluated: 2023-05-05. Review status: criteria provided, single submitter. Criteria: Invitae Variant Classification Sherloc (09022015). Collection method: clinical testing. Allele origin: germline.
Comment: In summary, the available evidence is currently insufficient to determine the role of this variant in disease. Therefore, it has been classified as a Variant of Uncertain Significance. An algorithm developed to predict the effect of missense changes on protein structure and function (PolyPhen-2) suggests that this variant is likely to be disruptive. ClinVar contains an entry for this variant (Variation ID: 1298323). This missense change has been observed in individual(s) with kidney dysplasia (PMID: 26489027). This variant is present in population databases (no rsID available, gnomAD 0.006%). This sequence change replaces glycine, which is neutral and non-polar, with arginine, which is basic and polar, at codon 182 of the FAT1 protein (p.Gly182Arg).

GeneDx
Classification: Uncertain significance. Last evaluated: 2019-09-23. Review status: criteria provided, single submitter. Criteria: GeneDx Variant Classification Process June 2021. Collection method: clinical testing. Allele origin: germline. Affected: yes.
Comment: In silico analysis, which includes protein predictors and evolutionary conservation, supports a deleterious effect; Variants in candidate genes are classified as variants of uncertain significance in accordance with ACMG guidelines (Richards et al., 2015); Identified in a patient with kidney dysplasia in published literature (Nicolaou et al., 2016); This variant is associated with the following publications: (PMID: 26489027)

O&I group, Department of Genetics, University Medical Center of Groningen
Classification: Uncertain significance for Autosomal dominant cerebellar ataxia. Last evaluated: 2021-07-22. Review status: no assertion criteria provided. Collection method: research. Allele origin: unknown. Not counted in ClinVar's aggregate classification.

Literature cited by the submitters: PubMed 26489027 (cited by Labcorp Genetics (formerly Invitae), Labcorp); DOI 10.3389/fgene.2022.782685 (cited by O&I group, Department of Genetics, University Medical Center of Groningen).

NM_005245.4(FAT1):c.544G>A (p.Gly182Arg)

Gene: FAT1 (FAT atypical cadherin 1; minus strand). Cytogenetic location: 4q35.2.
Variant type: single nucleotide variant.
Coding change: c.544G>A on transcript NM_005245.4 (MANE Select); coding-DNA position 544, G replaced by A.
Protein change: p.Gly182Arg; replaces glycine 182 with arginine.
Molecular consequence: missense variant.
Genome position (GRCh38, 1-based): chr4:186,709,284, C>T on the plus strand (G>A on the coding strand, the complement: FAT1 is on the minus strand). VCF-style: chr4-186709284-C-T. GRCh37 (hg19) VCF-style: chr4-187630438-C-T.
Other names: short protein forms G182R.
Identifiers: ClinVar variation 1298323 (VCV001298323.22), dbSNP rs1425607166, ClinGen allele CA358991343.